The following is an entry in ClinVar:

ClinVar aggregate classification (germline): Pathogenic. Review status: criteria provided, multiple submitters, no conflicts (2 of 4 stars). 2 submissions from 2 submitters: Pathogenic (2). Last evaluated 2023-09-21.

Conditions:
Mismatch repair cancer syndrome 4. Identifiers: MedGen C5436817, MONDO:0030843, OMIM 619101.
Lynch syndrome 4 (LYNCH4). Also called: Hereditary non-polyposis colorectal cancer, type 4; Colorectal cancer, hereditary nonpolyposis, type 4. Identifiers: Orphanet 144, MedGen C1838333, MONDO:0013699, OMIM 614337. Disease mechanism: loss of function.

Submissions (2):

Myriad Genetics, Inc.
Classification: Pathogenic for Lynch syndrome 4. Last evaluated: 2023-09-21. Review status: criteria provided, single submitter. Criteria: Myriad Autosomal Dominant, Autosomal Recessive and X-Linked Classification Criteria (2023). Collection method: clinical testing. Allele origin: unknown.
Comment: This variant is considered pathogenic. This variant creates a termination codon and is predicted to result in premature protein truncation.

Department of Pathology and Laboratory Medicine, Sinai Health System
Classification: Pathogenic for Mismatch repair cancer syndrome 4. Last evaluated: 2022-04-14. Review status: criteria provided, single submitter. Criteria: ACMG Guidelines, 2015. Collection method: clinical testing. Allele origin: germline. Affected: yes.

NM_000535.7(PMS2):c.1934dup (p.Tyr645Ter)

Gene: PMS2 (PMS1 homolog 2, mismatch repair system component; minus strand). Cytogenetic location: 7p22.1.
Variant type: Duplication.
Coding change: c.1934dup on transcript NM_000535.7 (MANE Select); coding-DNA position 1934, one base duplicated (A; older notation c.1934dupA).
Protein change: p.Tyr645Ter; replaces tyrosine 645 with a stop codon.
Molecular consequence: nonsense. On other transcripts: frameshift variant (1), non-coding transcript variant (1), intron variant (1).
Genome position (GRCh38, 1-based): chr7:5,986,831, T duplicated on the plus strand (A on the coding strand, the reverse complement: PMS2 is on the minus strand). VCF-style (leftmost placement, unchanged base first): chr7-5986830-G-GT. GRCh37 (hg19) VCF-style: chr7-6026461-G-GT.
Other names: c.1934dup, p.Tyr645Ter (NM_001406872.1, NM_001322014.2, NM_001406871.1); c.1736dup, p.Tyr579Ter (NM_001406873.1); c.1766dup, p.Tyr589Ter (NM_001406874.1); c.1625dup, p.Tyr542Ter (NM_001406875.1, NM_001406877.1, NM_001406878.1 and 5 more transcripts); c.1616dup, p.Tyr539Ter (NM_001406876.1, NM_001406883.1, NM_001322007.2 and 2 more transcripts); c.1529dup, p.Tyr510Ter (NM_001406892.1, NM_001406893.1, NM_001406894.1 and 16 more transcripts); c.1469dup, p.Tyr490Ter (NM_001406900.1); c.1610dup, p.Tyr537Ter (NM_001406884.1); and 15 more; short protein forms Y334*, Y388*, Y454*, Y458*, Y474*, Y487*, Y490*, Y510*.
Identifiers: ClinVar variation 2674268 (VCV002674268.2), dbSNP rs2535710122, ClinGen allele CA2695198409.
Genomic context (GRCh38, chr7:5,986,830, plus strand): 5'-TCTTAGTTCATCTTCGGCTGCTTGATTTTCTCCAGGACAAATCTTTGCCCTAAACTTCCT[G>GT]TAATTCTGTTCCCCTTCACTTTGCTGTGCTTCATGATGTAACTGCTTTATTCGTTTAGCT-3'